The following is an entry in ClinVar:

NM_014003.4(DHX38):c.967G>A (p.Asp323Asn)

Gene: DHX38 (DEAH-box helicase 38; plus strand). Cytogenetic location: 16q22.2.
Variant type: single nucleotide variant.
Coding change: c.967G>A on transcript NM_014003.4 (MANE Select); coding-DNA position 967, G replaced by A.
Protein change: p.Asp323Asn; replaces aspartic acid 323 with asparagine.
Molecular consequence: missense variant.
Genome position (GRCh38, 1-based): chr16:72,099,738, G>A. VCF-style: chr16-72099738-G-A. GRCh37 (hg19) VCF-style: chr16-72133637-G-A.
Other names: short protein forms D323N.
Identifiers: ClinVar variation 1686621 (VCV001686621.6), dbSNP rs1217647309, ClinGen allele CA396704044.

ClinVar aggregate classification (germline): Uncertain significance. Review status: criteria provided, multiple submitters, no conflicts (2 of 4 stars). 2 submissions from 2 submitters: Uncertain significance (2). Last evaluated 2022-05-16.

Allele frequency attached by ClinVar (database versions not stated): gnomAD 0.00001; TOPMed 0.00001.
gnomAD v4.1: 5 of 1,613,956 alleles (0.00031%); highest among the groups gnomAD compares: Non-Finnish European, 0.00042%; no homozygotes.

Submissions (2):

Labcorp Genetics (formerly Invitae), Labcorp
Classification: Uncertain significance. Last evaluated: 2022-05-16. Review status: criteria provided, single submitter. Criteria: Invitae Variant Classification Sherloc (09022015). Collection method: clinical testing. Allele origin: germline.
Comment: In summary, the available evidence is currently insufficient to determine the role of this variant in disease. Therefore, it has been classified as a Variant of Uncertain Significance. Algorithms developed to predict the effect of missense changes on protein structure and function are either unavailable or do not agree on the potential impact of this missense change (SIFT: "Deleterious"; PolyPhen-2: "Probably Damaging"; Align-GVGD: "Class C15"). This variant has not been reported in the literature in individuals affected with DHX38-related conditions. This variant is not present in population databases (gnomAD no frequency). This sequence change replaces aspartic acid, which is acidic and polar, with asparagine, which is neutral and polar, at codon 323 of the DHX38 protein (p.Asp323Asn).

Mendelics
Classification: Uncertain significance. Last evaluated: 2022-05-04. Review status: criteria provided, single submitter. Criteria: Mendelics Assertion Criteria 2019. Collection method: clinical testing. Allele origin: germline.